The following is an entry in ClinVar:

ClinVar aggregate classification (germline): Uncertain significance. Review status: criteria provided, multiple submitters, no conflicts (2 of 4 stars). 4 submissions from 4 submitters: Uncertain significance (3). 1 of the submissions does not count toward it. Last evaluated 2025-08-02.

Conditions:
Inborn genetic diseases. Identifiers: MedGen C0950123, MeSH D030342.
PEX16-related disorder. Also called: PEX16-related condition.
Peroxisome biogenesis disorder. Identifiers: Orphanet 79189, MedGen C1832200, MONDO:0019234. Disease mechanism: loss of function.

Allele frequency attached by ClinVar (database versions not stated): gnomAD exomes 0.00012; ExAC 0.00017; gnomAD 0.00018 and 0.00019; 1000 Genomes Project 0.00020; 1000 Genomes Project 30x 0.00031; TOPMed 0.00031.

Submissions (4):

Mayo Clinic Laboratories, Mayo Clinic
Classification: Uncertain significance. Last evaluated: 2025-08-02. Review status: criteria provided, single submitter. Criteria: ACMG Guidelines, 2015. Collection method: clinical testing. Allele origin: germline. Observed: 1 variant allele.
Comment: BP4_moderate

Labcorp Genetics (formerly Invitae), Labcorp
Classification: Uncertain significance for Peroxisome biogenesis disorder. Last evaluated: 2025-01-20. Review status: criteria provided, single submitter. Criteria: Invitae Variant Classification Sherloc (09022015). Collection method: clinical testing. Allele origin: germline.
Comment: This sequence change replaces arginine, which is basic and polar, with tryptophan, which is neutral and slightly polar, at codon 272 of the PEX16 protein (p.Arg272Trp). This variant is present in population databases (rs560024236, gnomAD 0.08%). This variant has not been reported in the literature in individuals affected with PEX16-related conditions. ClinVar contains an entry for this variant (Variation ID: 839476). Invitae Evidence Modeling of protein sequence and biophysical properties (such as structural, functional, and spatial information, amino acid conservation, physicochemical variation, residue mobility, and thermodynamic stability) indicates that this missense variant is not expected to disrupt PEX16 protein function with a negative predictive value of 80%. In summary, the available evidence is currently insufficient to determine the role of this variant in disease. Therefore, it has been classified as a Variant of Uncertain Significance.

Ambry Genetics
Classification: Uncertain significance for Inborn genetic diseases. Last evaluated: 2024-01-23. Review status: criteria provided, single submitter. Criteria: Ambry Variant Classification Scheme 2023. Collection method: clinical testing. Allele origin: germline.

PreventionGenetics, part of Exact Sciences
Classification: Uncertain significance for PEX16-related condition. Last evaluated: 2024-04-30. Review status: no assertion criteria provided. Collection method: clinical testing. Allele origin: germline. Not counted in ClinVar's aggregate classification.
Comment: The PEX16 c.814C>T variant is predicted to result in the amino acid substitution p.Arg272Trp. To our knowledge, this variant has not been reported in the literature. This variant is reported in 0.085% of alleles in individuals of South Asian descent in gnomAD. Although we suspect that this variant may be benign, at this time, the clinical significance of this variant is uncertain due to the absence of conclusive functional and genetic evidence.

NM_004813.4(PEX16):c.814C>T (p.Arg272Trp)

Gene: PEX16 (peroxisomal biogenesis factor 16; minus strand). Cytogenetic location: 11p11.2.
Variant type: single nucleotide variant.
Coding change: c.814C>T on transcript NM_004813.4 (MANE Select); coding-DNA position 814, C replaced by T.
Protein change: p.Arg272Trp; replaces arginine 272 with tryptophan.
Molecular consequence: missense variant.
Genome position (GRCh38, 1-based): chr11:45,913,892, G>A on the plus strand (C>T on the coding strand, the complement: PEX16 is on the minus strand). VCF-style: chr11-45913892-G-A. GRCh37 (hg19) VCF-style: chr11-45935443-G-A.
Other names: p.Arg272Trp; c.814C>T, p.Arg272Trp (NM_057174.3); c.814C>T (NM_057174.2); short protein forms R272W.
Identifiers: ClinVar variation 839476 (VCV000839476.9), dbSNP rs560024236, ClinGen allele CA5959814.